The following is an entry in ClinVar:

NM_001563.4(IMPG1):c.335del (p.Ile112fs)

Gene: IMPG1 (interphotoreceptor matrix proteoglycan 1; minus strand). Cytogenetic location: 6q14.1.
Variant type: Deletion.
Coding change: c.335del on transcript NM_001563.4 (MANE Select); coding-DNA position 335, one base deleted (T; older notation c.335delT).
Protein change: p.Ile112fs; shifts the reading frame from isoleucine 112.
Molecular consequence: frameshift variant.
Genome position (GRCh38, 1-based): chr6:76,034,754, A deleted on the plus strand (T on the coding strand, the reverse complement: IMPG1 is on the minus strand). VCF-style (leftmost placement, unchanged base first): chr6-76034753-GA-G. GRCh37 (hg19) VCF-style: chr6-76744470-GA-G.
Other names: c.101del, p.Ile34fs (NM_001282368.2); short protein forms I34fs, I112fs.
Identifiers: ClinVar variation 1373615 (VCV001373615.6), dbSNP rs1783708272, ClinGen allele CA1090692002.

ClinVar aggregate classification (germline): Pathogenic (1 of 4 stars; one submission).

Allele frequency attached by ClinVar (database versions not stated): gnomAD exomes below 0.00001; TOPMed below 0.00001; gnomAD 0.00001.

Submission:

Labcorp Genetics (formerly Invitae), Labcorp
Classification: Pathogenic. Last evaluated: 2023-07-21. Review status: criteria provided, single submitter. Criteria: Invitae Variant Classification Sherloc (09022015). Collection method: clinical testing. Allele origin: germline.
Comment: This variant is not present in population databases (gnomAD no frequency). For these reasons, this variant has been classified as Pathogenic. ClinVar contains an entry for this variant (Variation ID: 1373615). This variant is also known as c.336TC>C p.I112IX. This premature translational stop signal has been observed in individual(s) with dry age-related macular degeneration (PMID: 30215852). This sequence change creates a premature translational stop signal (p.Ile112Thrfs*47) in the IMPG1 gene. It is expected to result in an absent or disrupted protein product. Loss-of-function variants in IMPG1 are known to be pathogenic (PMID: 23993198).

Literature cited by the submitters: PubMed 30215852; PubMed 23993198.